The following is an entry in ClinVar:

ClinVar aggregate classification (germline): Pathogenic. Review status: criteria provided, multiple submitters, no conflicts (2 of 4 stars). 3 submissions from 3 submitters: Pathogenic (2). 1 of the submissions does not count toward it. Last evaluated 2025-05-23.

Conditions:
Tyrosinase-positive oculocutaneous albinism (OCA2). Also called: ALBINISM II; Albinism, oculocutaneous, type II; Oculocutaneous albinism type 2. Identifiers: Orphanet 79432, MedGen C0268495, MONDO:0008746, OMIM 203200.

Submissions (3):

Department of Clinical Genetics, Copenhagen University Hospital, Rigshospitalet
Classification: Pathogenic for Tyrosinase-positive oculocutaneous albinism. Last evaluated: 2025-05-23. Review status: criteria provided, single submitter. Criteria: ACMG Guidelines, 2015. Collection method: clinical testing. Allele origin: germline.
Comment: The following ACMG criteria has been used: PVS1, PS4_sup, PM2_sup, PM3

Labcorp Genetics (formerly Invitae), Labcorp
Classification: Pathogenic. Last evaluated: 2023-03-27. Review status: criteria provided, single submitter. Criteria: Invitae Variant Classification Sherloc (09022015). Collection method: clinical testing. Allele origin: germline.
Comment: For these reasons, this variant has been classified as Pathogenic. This variant has not been reported in the literature in individuals affected with OCA2-related conditions. This variant is not present in population databases (gnomAD no frequency). This sequence change creates a premature translational stop signal (p.Arg137Ilefs*83) in the OCA2 gene. It is expected to result in an absent or disrupted protein product. Loss-of-function variants in OCA2 are known to be pathogenic (PMID: 19865097, 21541274).

Human Molecular Lab, Hazara University
Classification: Uncertain significance for Tyrosinase-positive oculocutaneous albinism. Review status: no assertion criteria provided. Collection method: research. Allele origin: inherited. Inheritance: Autosomal recessive inheritance. Affected: yes. Observed: 1 variant allele, 1 homozygote. Not counted in ClinVar's aggregate classification.
Comment: The variant c.408_409del, p. R137Ifs*83 of the OCA2 gene causes Albinism, which has previously been reported in families with an autosomal recessive mode of inheritance. In those families, the variant segregated with the disease, including both affected and unaffected members.

Literature cited by the submitters: PubMed 39143519 (cited by Department of Clinical Genetics, Copenhagen University Hospital, Rigshospitalet); PubMed 19865097 (cited by Labcorp Genetics (formerly Invitae), Labcorp); PubMed 21541274 (cited by Labcorp Genetics (formerly Invitae), Labcorp).

NM_000275.3(OCA2):c.408_409del (p.Arg137fs)

Gene: OCA2 (OCA2 melanosomal transmembrane protein; minus strand). Cytogenetic location: 15q13.1.
Variant type: Deletion.
Coding change: c.408_409del on transcript NM_000275.3 (MANE Select); coding-DNA positions 408 to 409, 2 bases deleted (AA; older notation c.408_409delAA).
Protein change: p.Arg137fs; shifts the reading frame from arginine 137.
Molecular consequence: frameshift variant.
Genome position (GRCh38, 1-based): chr15:28,027,977-28,027,978, TT deleted on the plus strand (AA on the coding strand, the reverse complement: OCA2 is on the minus strand). VCF-style (leftmost placement, unchanged base first): chr15-28027976-CTT-C. GRCh37 (hg19) VCF-style: chr15-28273122-CTT-C.
Other names: p.R137Ifs*83; c.408_409del (NM_001300984.1); c.408_409del, p.Arg137fs (NM_001300984.2); c.408_409delAA (NM_000275.3); short protein forms R137fs.
Identifiers: ClinVar variation 2910367 (VCV002910367.5), dbSNP rs2548495570, ClinGen allele CA2695219864.